The following is an entry in ClinVar:

ClinVar aggregate classification (germline): Uncertain significance (1 of 4 stars; one submission).

Allele frequency attached by ClinVar (database versions not stated): gnomAD exomes below 0.00001.
gnomAD v4.1: 2 of 1,614,186 alleles (0.00012%); highest among the groups gnomAD compares: Non-Finnish European, 0.00017%; no homozygotes.

Submission:

GeneDx
Classification: Uncertain significance. Last evaluated: 2020-07-01. Review status: criteria provided, single submitter. Criteria: GeneDx Variant Classification Process June 2021. Collection method: clinical testing. Allele origin: germline. Affected: yes.
Comment: Not observed in large population cohorts (Lek et al., 2016); In silico analysis supports that this missense variant has a deleterious effect on protein structure/function; Has not been previously published as pathogenic or benign to our knowledge

NM_001271.4(CHD2):c.4975A>T (p.Ser1659Cys)

Gene: CHD2 (chromodomain helicase DNA binding protein 2; plus strand). Cytogenetic location: 15q26.1.
Variant type: single nucleotide variant.
Coding change: c.4975A>T on transcript NM_001271.4 (MANE Select); coding-DNA position 4975, A replaced by T.
Protein change: p.Ser1659Cys; replaces serine 1659 with cysteine.
Molecular consequence: missense variant.
Genome position (GRCh38, 1-based): chr15:93,020,080, A>T. VCF-style: chr15-93020080-A-T. GRCh37 (hg19) VCF-style: chr15-93563310-A-T.
Other names: short protein forms S1659C.
Identifiers: ClinVar variation 1312944 (VCV001312944.2), dbSNP rs2141895195, ClinGen allele CA393907588.